The following is an entry in ClinVar:

NM_001303052.2(MYT1L):c.31C>T (p.Arg11Cys)

Gene: MYT1L (myelin transcription factor 1 like; minus strand). Cytogenetic location: 2p25.3.
Variant type: single nucleotide variant.
Coding change: c.31C>T on transcript NM_001303052.2 (MANE Select); coding-DNA position 31, C replaced by T.
Protein change: p.Arg11Cys; replaces arginine 11 with cysteine.
Molecular consequence: missense variant.
Genome position (GRCh38, 1-based): chr2:1,979,747, G>A on the plus strand (C>T on the coding strand, the complement: MYT1L is on the minus strand). VCF-style: chr2-1979747-G-A. GRCh37 (hg19) VCF-style: chr2-1983519-G-A.
Other names: c.31C>T, p.Arg11Cys (NM_001329844.2, NM_001329845.1, NM_001329846.3 and 6 more transcripts); short protein forms R11C.
Identifiers: ClinVar variation 1232668 (VCV001232668.4), dbSNP rs201761335, ClinGen allele CA1514497.

ClinVar aggregate classification (germline): Conflicting classifications of pathogenicity. Review status: criteria provided, conflicting classifications (1 of 4 stars). 2 submissions from 2 submitters: Uncertain significance (1); Likely benign (1). Last evaluated 2025-04-29.

Conditions:
Early onset severe obesity. Identifiers: MedGen C4013980.

Allele frequency attached by ClinVar (database versions not stated): gnomAD exomes 0.00004; ExAC 0.00003; TOPMed 0.00005; 1000 Genomes Project 30x 0.00016; 1000 Genomes Project 0.00020; gnomAD 0.00005.
gnomAD v4.1: 61 of 1,614,006 alleles (0.0038%); highest among the groups gnomAD compares: Admixed American, 0.027%; no homozygotes.

Submissions (2):

Cambridge Genomics Laboratory, East Genomic Laboratory Hub, NHS Genomic Medicine Service
Classification: Uncertain significance for Severe early-onset obesity. Last evaluated: 2025-04-29. Review status: criteria provided, single submitter. Criteria: ACGS Best Practice Guidelines for Variant Classification in Rare Disease 2020. Collection method: clinical testing. Allele origin: germline. Affected: yes.
Comment: PP2

GeneDx
Classification: Likely benign. Last evaluated: 2019-11-13. Review status: criteria provided, single submitter. Criteria: GeneDx Variant Classification Process June 2021. Collection method: clinical testing. Allele origin: germline. Affected: yes.